The following is an entry in ClinVar:

NM_001267550.2(TTN):c.52536C>G (p.Asn17512Lys)

Genes: TTN (titin; minus strand), TTN-AS1 (TTN antisense RNA 1; plus strand), LOC126806425 (BRD4-independent group 4 enhancer GRCh37_chr2:179471933-179473132; plus strand). Cytogenetic location: 2q31.2.
Variant type: single nucleotide variant.
Coding change: c.52536C>G on transcript NM_001267550.2 (MANE Select); coding-DNA position 52536, C replaced by G.
Protein change: p.Asn17512Lys; replaces asparagine 17512 with lysine.
Molecular consequence: missense variant.
Genome position (GRCh38, 1-based): chr2:178,608,347, G>C on the plus strand (C>G on the coding strand, the complement: TTN is on the minus strand). VCF-style: chr2-178608347-G-C. GRCh37 (hg19) VCF-style: chr2-179473074-G-C.
Other names: p.Asn15871Lys; c.25341C>G, p.Asn8447Lys (NM_003319.4); c.44832C>G, p.Asn14944Lys (NM_133378.4); c.25716C>G, p.Asn8572Lys (NM_133432.3); c.25917C>G, p.Asn8639Lys (NM_133437.4); c.47613C>G, p.Asn15871Lys (NM_001256850.1); short protein forms N17512K, N15871K, N8639K, N8447K, N8572K.
Identifiers: ClinVar variation 96294 (VCV000096294.34), dbSNP rs199615557, ClinGen allele CA223945.
Genomic context (GRCh38, chr2:178,608,347, plus strand): 5'-ATCTACATTGGCTTTCAAGGCATTCAGAAGGCTTTTGTTGACACGAGACCAATGTGTACT[G>C]TTAACTTCACGTTTTTCAAGCCAGTAACCCAAAATGGGGCTTCCATTATCTTTTGGTTCA-3'
Protein context (NP_001254479.2, residues 17502-17522): LGYWLEKREV[Asn17512Lys]STHWSRVNKS

ClinVar aggregate classification (germline): Conflicting classifications of pathogenicity. Review status: criteria provided, conflicting classifications (1 of 4 stars). 23 submissions from 19 submitters: Uncertain significance (7); Benign (3); Likely benign (7). 6 of the submissions do not count toward it. Last evaluated 2026-03-01.

Conditions:
TTN-related disorder. Also called: TTN-related disorders; TTN-related condition; TTN-related disease.
Cardiovascular phenotype. Identifiers: MedGen CN230736.
Dilated cardiomyopathy 1G (CMD1G). Identifiers: Orphanet 154, MedGen C1858763, MONDO:0011400, OMIM 604145.
Autosomal recessive limb-girdle muscular dystrophy type 2J (LGMDR10). Also called: Limb-girdle muscular dystrophy, type 2J; MUSCULAR DYSTROPHY, LIMB-GIRDLE, AUTOSOMAL RECESSIVE 10. Identifiers: Orphanet 140922, MedGen C1837342, MONDO:0012127, OMIM 608807.
Cardiomyopathy (CMYO). Also called: Cardiomyopathies. Identifiers: Orphanet 167848, MedGen C0878544, MONDO:0004994, HP:0001638. Inheritance: Various modes of inheritance.
Tibial muscular dystrophy (TMD). Also called: UDD MYOPATHY; Tibial muscular dystrophy, tardive; Udd Distal Myopathy – Tibial Muscular Dystrophy. Identifiers: Orphanet 609, MedGen C1838244, MONDO:0010870, OMIM 600334.
Early-onset myopathy with fatal cardiomyopathy (CMYO5). Also called: Salih Myopathy; CONGENITAL MYOPATHY 5 WITH CARDIOMYOPATHY. Identifiers: Orphanet 289377, MedGen C2673677, MONDO:0012714, OMIM 611705. Disease mechanism: loss of function.
Myopathy, myofibrillar, 9, with early respiratory failure (MFM9). Also called: Hereditary myopathy with early respiratory failure; MYOPATHY, PROXIMAL, WITH EARLY RESPIRATORY MUSCLE INVOLVEMENT; Myopathy, distal, with early respiratory failure, autosomal dominant; EDSTROM MYOPATHY. Identifiers: Orphanet 178464, Orphanet 34521, MedGen C1863599, MONDO:0011362, OMIM 603689.

Allele frequency attached by ClinVar (database versions not stated): TOPMed 0.00033; 1000 Genomes Project 30x 0.00016; ExAC 0.00030; ESP Exome Variant Server 0.00033; gnomAD exomes 0.00033 and 0.00055; gnomAD 0.00034 and 0.00036.
gnomAD v4.1: 840 of 1,612,176 alleles (0.052%); highest among the groups gnomAD compares: Non-Finnish European, 0.069%; 1 homozygote.

Submissions (23):

CeGaT Center for Human Genetics Tuebingen
Classification: Uncertain significance. Last evaluated: 2026-03-01. Review status: criteria provided, single submitter. Criteria: CeGaT Center For Human Genetics Tuebingen Variant Classification Criteria Version 2. Collection method: clinical testing. Allele origin: germline. Affected: yes. Observed: 1 variant allele.

PreventionGenetics, part of Exact Sciences
Classification: Likely benign for TTN-related condition. Last evaluated: 2025-05-12. Review status: criteria provided, single submitter. Criteria: ACMG Guidelines, 2015. Collection method: clinical testing. Allele origin: germline.
Comment: This variant is classified as likely benign based on ACMG/AMP sequence variant interpretation guidelines (Richards et al. 2015 PMID: 25741868, with internal and published modifications).

Revvity Omics, Revvity
Classification: Uncertain significance. Last evaluated: 2024-11-05. Review status: criteria provided, single submitter. Criteria: ACMG Guidelines, 2015. Collection method: clinical testing. Allele origin: germline.

Mayo Clinic Laboratories, Mayo Clinic
Classification: Likely benign. Last evaluated: 2024-11-02. Review status: criteria provided, single submitter. Criteria: ACMG Guidelines, 2015. Collection method: clinical testing. Allele origin: germline. Observed: 2 variant alleles.
Comment: BS1, BP1, BP4

Blueprint Genetics
Classification: Benign. Last evaluated: 2024-10-30. Review status: criteria provided, single submitter. Criteria: ACMG Guidelines, 2015. Collection method: clinical testing. Allele origin: germline.

CHEO Genetics Diagnostic Laboratory, Children's Hospital of Eastern Ontario
Classification: Likely benign for Cardiomyopathy. Last evaluated: 2023-02-17. Review status: criteria provided, single submitter. Criteria: ACMG Guidelines, 2015. Collection method: clinical testing. Allele origin: germline.

Women's Health and Genetics/Laboratory Corporation of America, LabCorp
Classification: Likely benign. Last evaluated: 2021-07-27. Review status: criteria provided, single submitter. Criteria: LabCorp Variant Classification Summary - May 2015. Collection method: clinical testing. Allele origin: germline.
Comment: Variant summary: TTN c.44832C>G (p.Asn14944Lys) results in a non-conservative amino acid change located in the A-band region of the encoded protein sequence. Three of five in-silico tools predict a damaging effect of the variant on protein function. The variant allele was found at a frequency of 0.00033 in 246666 control chromosomes, predominantly at a frequency of 0.00074 within the Non-Finnish European subpopulation in the gnomAD database. The observed variant frequency within Non-Finnish European control individuals in the gnomAD database is approximately 2-fold of the estimated maximal expected allele frequency for a pathogenic variant in TTN causing Dilated Cardiomyopathy phenotype (0.00039), strongly suggesting that the variant is a benign polymorphism found primarily in populations of Non-Finnish European origin. c.44832C>G has been reported in the literature in individuals affected with sudden unexplained death (SUD) and arrhythmogenic right ventricular cardiomyopathy (ARVC) (e.g. Campuzano_2015, Forleo_2017, Salfati_2019). These reports do not provide unequivocal conclusions about association of the variant with Dilated Cardiomyopathy. To our knowledge, no experimental evidence demonstrating an impact on protein function has been reported. Two ClinVar submitters (evaluation after 2014) cite the variant as benign/likely benign and three ClinVar submitters (evaluation after 2014) cite it as uncertain significance. Based on the evidence outlined above, the variant was classified as likely benign.

GeneDx
Classification: Likely benign. Last evaluated: 2021-03-18. Review status: criteria provided, single submitter. Criteria: GeneDx Variant Classification Process June 2021. Collection method: clinical testing. Allele origin: germline. Affected: yes.
Comment: This variant is associated with the following publications: (PMID: 27930701)

Ambry Genetics
Classification: Likely benign for Cardiovascular phenotype. Last evaluated: 2020-04-17. Review status: criteria provided, single submitter. Criteria: Ambry Variant Classification Scheme 2023. Collection method: clinical testing. Allele origin: germline.

Athena Diagnostics
Classification: Likely benign. Last evaluated: 2019-10-30. Review status: criteria provided, single submitter. Criteria: Athena Diagnostics Criteria. Collection method: clinical testing. Allele origin: unknown.

Illumina Laboratory Services, Illumina
Classification: Uncertain significance for Dilated cardiomyopathy 1G. Last evaluated: 2018-01-12. Review status: criteria provided, single submitter. Criteria: ICSL Variant Classification Criteria 13 December 2019. Collection method: clinical testing. Allele origin: germline.

Illumina Laboratory Services, Illumina
Classification: Uncertain significance for Early-onset myopathy with fatal cardiomyopathy. Last evaluated: 2018-01-12. Review status: criteria provided, single submitter. Criteria: ICSL Variant Classification Criteria 13 December 2019. Collection method: clinical testing. Allele origin: germline.

Illumina Laboratory Services, Illumina
Classification: Benign for Tibial muscular dystrophy. Last evaluated: 2018-01-12. Review status: criteria provided, single submitter. Criteria: ICSL Variant Classification Criteria 13 December 2019. Collection method: clinical testing. Allele origin: germline.
Comment: This variant was observed in the ICSL laboratory as part of a predisposition screen in an ostensibly healthy population. It had not been previously curated by ICSL or reported in the Human Gene Mutation Database (HGMD: prior to June 1st, 2018), and was therefore a candidate for classification through an automated scoring system. Utilizing variant allele frequency, disease prevalence and penetrance estimates, and inheritance mode, an automated score was calculated to assess if this variant is too frequent to cause the disease. Based on the score and internal cut-off values, a variant classified as benign is not then subjected to further curation. The score for this variant resulted in a classification of benign for this disease.

Illumina Laboratory Services, Illumina
Classification: Benign for Myopathy, myofibrillar, 9, with early respiratory failure. Last evaluated: 2018-01-12. Review status: criteria provided, single submitter. Criteria: ICSL Variant Classification Criteria 13 December 2019. Collection method: clinical testing. Allele origin: germline.
Comment: the same text as in the submission from Illumina Laboratory Services, Illumina above.

Illumina Laboratory Services, Illumina
Classification: Uncertain significance for Autosomal recessive limb-girdle muscular dystrophy type 2J. Last evaluated: 2018-01-12. Review status: criteria provided, single submitter. Criteria: ICSL Variant Classification Criteria 13 December 2019. Collection method: clinical testing. Allele origin: germline.

Labcorp Genetics (formerly Invitae), Labcorp
Classification: Uncertain significance for Dilated cardiomyopathy 1G; Autosomal recessive limb-girdle muscular dystrophy type 2J. Last evaluated: 2018-01-06. Review status: criteria provided, single submitter. Criteria: Invitae Variant Classification Sherloc (09022015). Collection method: clinical testing. Allele origin: germline.

Eurofins Ntd Llc (ga)
Classification: Uncertain significance. Last evaluated: 2016-01-08. Review status: criteria provided, single submitter. Criteria: EGL Classification Definitions 2015. Collection method: clinical testing. Allele origin: germline. Observed: 1 variant allele, 1 heterozygote.

Clinical Genetics DNA and cytogenetics Diagnostics Lab, Erasmus MC, Erasmus Medical Center
Classification: Likely benign. Review status: no assertion criteria provided. Collection method: clinical testing. Allele origin: germline. Affected: yes. Study: VKGL Data-share Consensus. Not counted in ClinVar's aggregate classification.

Clinical Genetics, Academic Medical Center
Classification: Benign. Review status: no assertion criteria provided. Collection method: clinical testing. Allele origin: germline. Affected: yes. Study: VKGL Data-share Consensus. Not counted in ClinVar's aggregate classification.

Diagnostic Laboratory, Department of Genetics, University Medical Center Groningen
Classification: Likely benign. Review status: no assertion criteria provided. Collection method: clinical testing. Allele origin: germline. Affected: yes. Study: VKGL Data-share Consensus. Not counted in ClinVar's aggregate classification.

Genome Diagnostics Laboratory, University Medical Center Utrecht
Classification: Likely benign. Review status: no assertion criteria provided. Collection method: clinical testing. Allele origin: germline. Affected: yes. Study: VKGL Data-share Consensus. Not counted in ClinVar's aggregate classification.

Joint Genome Diagnostic Labs from Nijmegen and Maastricht, Radboudumc and MUMC+
Classification: Likely benign. Review status: no assertion criteria provided. Collection method: clinical testing. Allele origin: germline. Affected: yes. Study: VKGL Data-share Consensus. Not counted in ClinVar's aggregate classification.

Laboratory of Diagnostic Genome Analysis, Leiden University Medical Center (LUMC)
Classification: Likely benign. Review status: no assertion criteria provided. Collection method: clinical testing. Allele origin: germline. Affected: yes. Study: VKGL Data-share Consensus. Not counted in ClinVar's aggregate classification.

Literature cited by the submitters: PubMed 26516846 (cited by Mayo Clinic Laboratories, Mayo Clinic and Women's Health and Genetics/Laboratory Corporation of America, LabCorp); PubMed 27930701 (cited by 3 submitters); PubMed 28750076 (cited by Women's Health and Genetics/Laboratory Corporation of America, LabCorp); PubMed 31847883 (cited by Women's Health and Genetics/Laboratory Corporation of America, LabCorp).